The following is an entry in ClinVar:

NM_000454.5(SOD1):c.87A>G (p.Pro29=)

Gene: SOD1 (superoxide dismutase 1; plus strand). Cytogenetic location: 21q22.11.
Variant type: single nucleotide variant.
Coding change: c.87A>G on transcript NM_000454.5 (MANE Select); coding-DNA position 87, A replaced by G.
Protein change: p.Pro29=; no amino-acid change (proline 29 retained).
Molecular consequence: synonymous variant.
Genome position (GRCh38, 1-based): chr21:31,663,804, A>G. VCF-style: chr21-31663804-A-G. GRCh37 (hg19) VCF-style: chr21-33036117-A-G.
Identifiers: ClinVar variation 1764704 (VCV001764704.10), dbSNP rs145198224, ClinGen allele CA9998889.

ClinVar aggregate classification (germline): Benign/Likely benign. Review status: criteria provided, multiple submitters, no conflicts (2 of 4 stars). 4 submissions from 4 submitters: Benign (1); Likely benign (2). 1 of the submissions does not count toward it. Last evaluated 2025-09-15.

Conditions:
SOD1-related disorder. Also called: SOD1-related condition.
Inborn genetic diseases. Identifiers: MedGen C0950123, MeSH D030342.
Amyotrophic lateral sclerosis type 1 (ALS1). Also called: AMYOTROPHIC LATERAL SCLEROSIS 1, FAMILIAL. Identifiers: Orphanet 803, MedGen C1862939, MONDO:0007103, OMIM 105400.

Allele frequency attached by ClinVar (database versions not stated): gnomAD exomes 0.00001; ESP Exome Variant Server 0.00008; ExAC 0.00011; TOPMed 0.00013; 1000 Genomes Project 30x 0.00016; gnomAD 0.00016; 1000 Genomes Project 0.00020.
gnomAD v4.1: 44 of 1,612,500 alleles (0.0027%); highest among the groups gnomAD compares: African/African-American, 0.041%; no homozygotes.

Submissions (4):

Labcorp Genetics (formerly Invitae), Labcorp
Classification: Likely benign for Amyotrophic lateral sclerosis type 1. Last evaluated: 2025-09-15. Review status: criteria provided, single submitter. Criteria: Invitae Variant Classification Sherloc (09022015). Collection method: clinical testing. Allele origin: germline.

Athena Diagnostics
Classification: Benign. Last evaluated: 2025-01-03. Review status: criteria provided, single submitter. Criteria: Athena Diagnostics Criteria. Collection method: clinical testing. Allele origin: unknown.
Comment: The frequency of this variant in the general population is higher than would generally be expected for pathogenic variants in this gene. Computational tools yielded predictions that this variant is unlikely to have an effect on normal RNA splicing. This nucleotide position exhibits low evolutionary conservation.

Ambry Genetics
Classification: Likely benign for Inborn genetic diseases. Last evaluated: 2022-02-17. Review status: criteria provided, single submitter. Criteria: Ambry Variant Classification Scheme 2023. Collection method: clinical testing. Allele origin: germline.

PreventionGenetics, part of Exact Sciences
Classification: Likely benign for SOD1-related condition. Last evaluated: 2019-02-19. Review status: no assertion criteria provided. Collection method: clinical testing. Allele origin: germline. Not counted in ClinVar's aggregate classification.
Comment: This variant is classified as likely benign based on ACMG/AMP sequence variant interpretation guidelines (Richards et al. 2015 PMID: 25741868, with internal and published modifications).